The following is an entry in ClinVar:

ClinVar aggregate classification (germline): Likely pathogenic (1 of 4 stars; one submission).

Conditions:
Autosomal recessive limb-girdle muscular dystrophy type 2J (LGMDR10). Also called: Limb-girdle muscular dystrophy, type 2J; MUSCULAR DYSTROPHY, LIMB-GIRDLE, AUTOSOMAL RECESSIVE 10. Identifiers: Orphanet 140922, MedGen C1837342, MONDO:0012127, OMIM 608807.
Dilated cardiomyopathy 1G (CMD1G). Identifiers: Orphanet 154, MedGen C1858763, MONDO:0011400, OMIM 604145.

Submission:

Labcorp Genetics (formerly Invitae), Labcorp
Classification: Likely pathogenic for Dilated cardiomyopathy 1G; Autosomal recessive limb-girdle muscular dystrophy type 2J. Last evaluated: 2025-11-18. Review status: criteria provided, single submitter. Criteria: Invitae Variant Classification Sherloc (09022015). Collection method: clinical testing. Allele origin: germline.
Comment: This sequence change creates a premature translational stop signal (p.Val23452Cysfs*25) in the TTN gene. While this is not anticipated to result in nonsense mediated decay, it is expected to create a truncated TTN protein. This variant is not present in population databases (gnomAD no frequency). This variant has not been reported in the literature in individuals affected with TTN-related conditions. This variant is located in the A band of TTN (PMID: 25589632). Truncating variants in this region are significantly overrepresented in patients affected with dilated cardiomyopathy (PMID: 25589632). Truncating variants in this region have also been reported in individuals affected with autosomal recessive centronuclear myopathy (PMID: 23975875). In summary, the currently available evidence indicates that the variant is pathogenic, but additional data are needed to prove that conclusively. Therefore, this variant has been classified as Likely Pathogenic.

Literature cited by the submitters: PubMed 25589632; PubMed 23975875.

NM_001267550.2(TTN):c.70353dup (p.Val23452fs)

Genes: TTN-AS1 (TTN antisense RNA 1; plus strand), TTN (titin; minus strand), LOC126806422 (BRD4-independent group 4 enhancer GRCh37_chr2:179440205-179441404; plus strand). Cytogenetic location: 2q31.2.
Variant type: Duplication.
Coding change: c.70353dup on transcript NM_001267550.2 (MANE Select); coding-DNA position 70353, one base duplicated (T; older notation c.70353dupT).
Protein change: p.Val23452fs; shifts the reading frame from valine 23452.
Molecular consequence: frameshift variant.
Genome position (GRCh38, 1-based): chr2:178,575,779, A duplicated on the plus strand (T on the coding strand, the reverse complement: TTN is on the minus strand). VCF-style (leftmost placement, unchanged base first): chr2-178575778-C-CA. GRCh37 (hg19) VCF-style: chr2-179440505-C-CA.
Other names: c.65430dup, p.Val21811fs (NM_001256850.1); c.43158dup, p.Val14387fs (NM_003319.4); c.62649dup, p.Val20884fs (NM_133378.4); c.43533dup, p.Val14512fs (NM_133432.3); c.43734dup, p.Val14579fs (NM_133437.4); short protein forms V14387fs, V23452fs, V21811fs, V14579fs, V14512fs, V20884fs.
Identifiers: ClinVar variation 4786743 (VCV004786743.1).